The following is an entry in ClinVar:

ClinVar aggregate classification (germline): Uncertain significance. Review status: criteria provided, multiple submitters, no conflicts (2 of 4 stars). 5 submissions from 5 submitters: Uncertain significance (5). Last evaluated 2026-08-01.

Allele frequency attached by ClinVar (database versions not stated): ExAC 0.00015; gnomAD exomes 0.00017; TOPMed 0.00022; gnomAD 0.00023; ESP Exome Variant Server 0.00032.
gnomAD v4.1: 460 of 1,613,946 alleles (0.029%); highest among the groups gnomAD compares: Non-Finnish European, 0.038%; 1 homozygote.

Submissions (5):

CeGaT Center for Human Genetics Tuebingen
Classification: Uncertain significance. Last evaluated: 2026-08-01. Review status: criteria provided, single submitter. Criteria: CeGaT Center For Human Genetics Tuebingen Variant Classification Criteria Version 2. Collection method: clinical testing. Allele origin: germline. Affected: yes. Observed: 4 variant alleles.
Comment: SBF1: PM2:Supporting, BP4

GeneDx
Classification: Uncertain significance. Last evaluated: 2025-12-04. Review status: criteria provided, single submitter. Criteria: GeneDx Variant Classification Process June 2021. Collection method: clinical testing. Allele origin: germline. Affected: yes.
Comment: In silico analysis suggests that this missense variant does not alter protein structure/function; Has not been previously published as pathogenic or benign to our knowledge

Blueprint Genetics
Classification: Uncertain significance. Last evaluated: 2024-11-27. Review status: criteria provided, single submitter. Criteria: ACMG Guidelines, 2015. Collection method: clinical testing. Allele origin: germline.

Ambry Genetics
Classification: Uncertain significance. Last evaluated: 2024-10-24. Review status: criteria provided, single submitter. Criteria: Ambry Variant Classification Scheme 2023. Collection method: clinical testing. Allele origin: germline.

Labcorp Genetics (formerly Invitae), Labcorp
Classification: Uncertain significance. Last evaluated: 2022-10-26. Review status: criteria provided, single submitter. Criteria: Invitae Variant Classification Sherloc (09022015). Collection method: clinical testing. Allele origin: germline.
Comment: This sequence change replaces glycine, which is neutral and non-polar, with serine, which is neutral and polar, at codon 1538 of the SBF1 protein (p.Gly1538Ser). This variant is present in population databases (rs200471909, gnomAD 0.04%). This variant has not been reported in the literature in individuals affected with SBF1-related conditions. ClinVar contains an entry for this variant (Variation ID: 916190). Advanced modeling of protein sequence and biophysical properties (such as structural, functional, and spatial information, amino acid conservation, physicochemical variation, residue mobility, and thermodynamic stability) performed at Invitae indicates that this missense variant is not expected to disrupt SBF1 protein function. In summary, the available evidence is currently insufficient to determine the role of this variant in disease. Therefore, it has been classified as a Variant of Uncertain Significance.

NM_002972.4(SBF1):c.4612G>A (p.Gly1538Ser)

Gene: SBF1 (SET binding factor 1; minus strand). Cytogenetic location: 22q13.33.
Variant type: single nucleotide variant.
Coding change: c.4612G>A on transcript NM_002972.4 (MANE Select); coding-DNA position 4612, G replaced by A.
Protein change: p.Gly1538Ser; replaces glycine 1538 with serine.
Molecular consequence: missense variant.
Genome position (GRCh38, 1-based): chr22:50,455,085, C>T on the plus strand (G>A on the coding strand, the complement: SBF1 is on the minus strand). VCF-style: chr22-50455085-C-T. GRCh37 (hg19) VCF-style: chr22-50893514-C-T.
Other names: c.4537G>A, p.Gly1513Ser (NM_001365819.1); short protein forms G1538S, G1513S.
Identifiers: ClinVar variation 916190 (VCV000916190.47), dbSNP rs200471909, ClinGen allele CA10316193.